The following is an entry in ClinVar:

NM_001042492.3(NF1):c.3574G>T (p.Glu1192Ter)

Gene: NF1 (neurofibromin 1; plus strand). Cytogenetic location: 17q11.2.
Variant type: single nucleotide variant.
Coding change: c.3574G>T on transcript NM_001042492.3 (MANE Select); coding-DNA position 3574, G replaced by T.
Protein change: p.Glu1192Ter; replaces glutamic acid 1192 with a stop codon.
Molecular consequence: nonsense.
Genome position (GRCh38, 1-based): chr17:31,233,079, G>T. VCF-style: chr17-31233079-G-T. GRCh37 (hg19) VCF-style: chr17-29560097-G-T.
Other names: c.3574G>T, p.Glu1192Ter (NM_000267.4); short protein forms E1192*.
Identifiers: ClinVar variation 1048690 (VCV001048690.3), dbSNP rs1442037817, ClinGen allele CA398990118.

ClinVar aggregate classification (germline): Pathogenic. Review status: criteria provided, single submitter (1 of 4 stars). 2 submissions from 2 submitters: Pathogenic (1). 1 of the submissions does not count toward it. Last evaluated 2026-04-14.
ClinVar aggregate classification (somatic clinical impact): Tier I - Strong (1 of 4 stars; one submission).

Conditions:
Cardiovascular phenotype. Identifiers: MedGen CN230736.
Hereditary cancer-predisposing syndrome. Also called: Hereditary neoplastic syndrome; Neoplastic Syndromes, Hereditary; Tumor predisposition; Hereditary Cancer Syndrome. Identifiers: Orphanet 140162, MedGen C0027672, MeSH D009386, MONDO:0015356.
Neurofibromatosis, type 1 (NF1). Also called: NEUROFIBROMATOSIS, TYPE I, SOMATIC; Neurofibromatosis, type I; VON RECKLINGHAUSEN DISEASE; Peripheral type neurofibromatosis. Identifiers: Orphanet 636, MedGen C0027831, MONDO:0018975, OMIM 162200. Disease mechanism: loss of function.
Diffuse midline glioma, H3 K27M-mutant. Identifiers: MedGen C4289688, MONDO:0957196.

Submissions (3):

Ambry Genetics
Classification: Pathogenic for Cardiovascular phenotype; Hereditary cancer-predisposing syndrome. Last evaluated: 2026-04-14. Review status: criteria provided, single submitter. Criteria: Ambry Variant Classification Scheme 2023. Collection method: clinical testing. Allele origin: germline.
Comment: The p.E1192* pathogenic mutation (also known as c.3574G>T), located in coding exon 27 of the NF1 gene, results from a G to T substitution at nucleotide position 3574. This changes the amino acid from a glutamic acid to a stop codon within coding exon 27. This variant was reported in individual(s) with features consistent with neurofibromatosis type 1 (Melloni G et al. Cancers (Basel), 2019 Nov;11:; Tsipi M et al. J Neurol Sci, 2018 Dec;395:95-105; Maddirevula S et al. Genet Med, 2018 Dec;20:1609-1616; Ambry internal data). This variant is considered to be rare based on population cohorts in the Genome Aggregation Database (gnomAD). This alteration is expected to result in loss of function by premature protein truncation or nonsense-mediated mRNA decay. As such, this alteration is interpreted as a disease-causing mutation.

Institute for Genomic Medicine (IGM) Clinical Laboratory, Nationwide Children's Hospital
Classification: Tier I - Strong for Diffuse midline glioma, H3 K27M-mutant. Assertion type: diagnostic. Clinical significance: supports diagnosis. Last evaluated: 2022-12-12. Review status: criteria provided, single submitter. Criteria: AMP/ASCO/CAP Guidelines, 2017. Collection method: clinical testing. Allele origin: somatic. Affected: yes.
Comment: Variant has Tier I (strong) clinical significance as a diagnostic inclusion criterion in diffuse midline glioma, H3 K27M-mutant, based on the following evidence: 1) Documented in one or more cancer databases (e.g., St. Jude Pecan, COSMIC, CIViC, OncoKB). 2) Information in the literature supports potential biologic effect of variant. 3) Diagnostic for a specific tumor type/classification based on well-powered studies with expert-level consensus (Evidence Level B; PMIDs: 24705251, 28966033, 33433639, 34796414, 32862234, 34759345, 32582540, 35456430).

Laboratory of Medical Genetics, National & Kapodistrian University of Athens
Classification: Pathogenic for Neurofibromatosis, type 1. Last evaluated: 2019-01-01. Review status: no assertion criteria provided. Collection method: clinical testing. Allele origin: germline. Affected: yes. Not counted in ClinVar's aggregate classification.

Literature cited by the submitters: PubMed 29620724 (cited by Ambry Genetics); PubMed 30308447 (cited by Ambry Genetics); PubMed 31766501 (cited by Ambry Genetics); PubMed 24705251 (cited by Institute for Genomic Medicine (IGM) Clinical Laboratory, Nationwide Children's Hospital); PubMed 28966033 (cited by Institute for Genomic Medicine (IGM) Clinical Laboratory, Nationwide Children's Hospital); PubMed 33433639 (cited by Institute for Genomic Medicine (IGM) Clinical Laboratory, Nationwide Children's Hospital); PubMed 34796414 (cited by Institute for Genomic Medicine (IGM) Clinical Laboratory, Nationwide Children's Hospital); PubMed 32862234 (cited by Institute for Genomic Medicine (IGM) Clinical Laboratory, Nationwide Children's Hospital); PubMed 34759345 (cited by Institute for Genomic Medicine (IGM) Clinical Laboratory, Nationwide Children's Hospital); PubMed 32582540 (cited by Institute for Genomic Medicine (IGM) Clinical Laboratory, Nationwide Children's Hospital); PubMed 35456430 (cited by Institute for Genomic Medicine (IGM) Clinical Laboratory, Nationwide Children's Hospital).